The following is an entry in ClinVar:

ClinVar aggregate classification (germline): Uncertain significance. Review status: criteria provided, multiple submitters, no conflicts (2 of 4 stars). 2 submissions from 2 submitters: Uncertain significance (2). Last evaluated 2022-05-17.

Conditions:
Myoglobinuria, acute recurrent, autosomal recessive. Also called: Myoglobinuria, recurrent, autosomal recessive; MYOGLOBINURIA, FAMILIAL PAROXYSMAL PARALYTIC; RHABDOMYOLYSIS, ACUTE RECURRENT. Identifiers: Orphanet 99845, MedGen C1849386, MONDO:0009992, OMIM 268200.

Allele frequency attached by ClinVar (database versions not stated): TOPMed below 0.00001.
gnomAD v4.1: 5 of 1,578,862 alleles (0.00032%); highest among the groups gnomAD compares: Admixed American, 0.0017%; no homozygotes.

Submissions (2):

Fulgent Genetics
Classification: Uncertain significance for Myoglobinuria, acute recurrent, autosomal recessive. Last evaluated: 2022-05-17. Review status: criteria provided, single submitter. Criteria: ACMG Guidelines, 2015. Collection method: clinical testing. Allele origin: unknown.

Labcorp Genetics (formerly Invitae), Labcorp
Classification: Uncertain significance. Last evaluated: 2021-11-27. Review status: criteria provided, single submitter. Criteria: Invitae Variant Classification Sherloc (09022015). Collection method: clinical testing. Allele origin: germline.
Comment: In summary, the available evidence is currently insufficient to determine the role of this variant in disease. Therefore, it has been classified as a Variant of Uncertain Significance. Algorithms developed to predict the effect of missense changes on protein structure and function are either unavailable or do not agree on the potential impact of this missense change (SIFT: "Tolerated"; PolyPhen-2: "Possibly Damaging"; Align-GVGD: "Class C0"). This variant has not been reported in the literature in individuals affected with LPIN1-related conditions. This variant is not present in population databases (gnomAD no frequency). This sequence change replaces isoleucine, which is neutral and non-polar, with methionine, which is neutral and non-polar, at codon 478 of the LPIN1 protein (p.Ile478Met).

NM_001349206.2(LPIN1):c.1542C>G (p.Ile514Met)

Gene: LPIN1 (lipin 1; plus strand). Cytogenetic location: 2p25.1.
Variant type: single nucleotide variant.
Coding change: c.1542C>G on transcript NM_001349206.2 (MANE Select); coding-DNA position 1542, C replaced by G.
Protein change: p.Ile514Met; replaces isoleucine 514 with methionine.
Molecular consequence: missense variant. On other transcripts: non-coding transcript variant (1).
Genome position (GRCh38, 1-based): chr2:11,785,069, C>G. VCF-style: chr2-11785069-C-G. GRCh37 (hg19) VCF-style: chr2-11925195-C-G.
Other names: c.1452C>G, p.Ile484Met (NM_001261427.3); c.1689C>G, p.Ile563Met (NM_001261428.3); c.1434C>G, p.Ile478Met (NM_001349199.2, NM_001349200.2, NM_001349201.2 and 1 more transcripts); c.1539C>G, p.Ile513Met (NM_001349202.2, NM_001349203.2); c.1542C>G, p.Ile514Met (NM_001349204.2, NM_001349205.2); c.1632C>G, p.Ile544Met (NM_001349207.2); c.1581C>G, p.Ile527Met (NM_001349208.2); short protein forms I513M, I484M, I544M, I563M, I478M, I514M, I527M.
Identifiers: ClinVar variation 1476439 (VCV001476439.7), dbSNP rs1340968307, ClinGen allele CA345857712.
Genomic context (GRCh38, chr2:11,785,069, plus strand): 5'-GAGGGACCTCCCTTCCATCGCCATCTCCCTCTGCGGGGGCCTCAGCGACCACCGGGAGAT[C>G]ACGAAAGGTACCGCGGGCCTCGCGCGGGCGCCCTCTGGTGGCCGCCGGTCAGAAGGCGCA-3'
Protein context (NP_001336135.1, residues 504-524): LCGGLSDHRE[Ile514Met]TKDAFLEQAV